The following is an entry in ClinVar:

NM_000089.4(COL1A2):c.1048C>T (p.Pro350Ser)

Gene: COL1A2 (collagen type I alpha 2 chain; plus strand). Cytogenetic location: 7q21.3.
Variant type: single nucleotide variant.
Coding change: c.1048C>T on transcript NM_000089.4 (MANE Select); coding-DNA position 1048, C replaced by T.
Protein change: p.Pro350Ser; replaces proline 350 with serine.
Molecular consequence: missense variant.
Genome position (GRCh38, 1-based): chr7:94,410,254, C>T. VCF-style: chr7-94410254-C-T. GRCh37 (hg19) VCF-style: chr7-94039566-C-T.
Other names: short protein forms P350S.
Identifiers: ClinVar variation 456801 (VCV000456801.12), dbSNP rs201463779, ClinGen allele CA4346924.

ClinVar aggregate classification (germline): Uncertain significance. Review status: criteria provided, multiple submitters, no conflicts (2 of 4 stars). 2 submissions from 2 submitters: Uncertain significance (2). Last evaluated 2025-10-12.

Conditions:
Ehlers-Danlos syndrome, classic type, 1 (EDSCL1). Also called: EHLERS-DANLOS SYNDROME, GRAVIS TYPE; EHLERS-DANLOS SYNDROME, SEVERE CLASSIC TYPE; EDS I; Ehlers-Danlos Syndrome, Classic Type, COL5A1-Related; Ehlers-Danlos syndrome, type 1. Identifiers: MedGen C0268335, MONDO:0019567, OMIM 130000.
Osteogenesis imperfecta type I (OI1). Also called: OI, TYPE I; OSTEOGENESIS IMPERFECTA TARDA; OSTEOGENESIS IMPERFECTA WITH BLUE SCLERAE; Classic Non-deforming Osteogenesis Imperfecta with Blue Sclerae; Lobstein disease; Osteogenesis imperfecta type 1. Identifiers: Orphanet 216796, Orphanet 666, MedGen C0023931, MONDO:0008146, OMIM 166200. Disease mechanism: loss of function.

Allele frequency attached by ClinVar (database versions not stated): 1000 Genomes Project 0.00020; TOPMed 0.00001; gnomAD exomes 0.00002; gnomAD 0.00001; ExAC 0.00002; 1000 Genomes Project 30x 0.00016.
gnomAD v4.1: 29 of 1,613,816 alleles (0.0018%); highest among the groups gnomAD compares: East Asian, 0.058%; no homozygotes.

Submissions (2):

Labcorp Genetics (formerly Invitae), Labcorp
Classification: Uncertain significance for Osteogenesis imperfecta type I; Ehlers-Danlos syndrome, classic type, 1. Last evaluated: 2025-10-12. Review status: criteria provided, single submitter. Criteria: Invitae Variant Classification Sherloc (09022015). Collection method: clinical testing. Allele origin: germline.
Comment: This sequence change replaces proline, which is neutral and non-polar, with serine, which is neutral and polar, at codon 350 of the COL1A2 protein (p.Pro350Ser). This variant is present in population databases (rs201463779, gnomAD 0.01%). This missense change has been observed in individual(s) with osteogenesis imperfecta (PMID: 26402641). ClinVar contains an entry for this variant (Variation ID: 456801). Invitae Evidence Modeling of protein sequence and biophysical properties (such as structural, functional, and spatial information, amino acid conservation, physicochemical variation, residue mobility, and thermodynamic stability) indicates that this missense variant is not expected to disrupt COL1A2 protein function with a negative predictive value of 95%. In summary, the available evidence is currently insufficient to determine the role of this variant in disease. Therefore, it has been classified as a Variant of Uncertain Significance.

GeneDx
Classification: Uncertain significance. Last evaluated: 2021-03-31. Review status: criteria provided, single submitter. Criteria: GeneDx Variant Classification Process June 2021. Collection method: clinical testing. Allele origin: germline. Affected: yes.
Comment: Has been reported as a likely pathogenic variant in a patient with OI type III in published literature (Bae et al., 2015); In silico analysis supports that this missense variant does not alter protein structure/function; Occurs in the triple helical domain at the X position in the canonical Gly-X-Y repeat; although this variant may have an effect on normal protein folding and function, missense substitution at the X position is not a common mechanism of disease (Stenson et al., 2014); Reported in ClinVar as a variant of uncertain significance (ClinVar Variant ID# 456801; Landrum et al., 2016); This variant is associated with the following publications: (PMID: 26402641)

Literature cited by the submitters: PubMed 26402641 (cited by Labcorp Genetics (formerly Invitae), Labcorp).